The following is an entry in ClinVar:

ClinVar aggregate classification (germline): Benign/Likely benign. Review status: criteria provided, multiple submitters, no conflicts (2 of 4 stars). 3 submissions from 3 submitters: Benign (1); Likely benign (2). Last evaluated 2025-02-16.

Allele frequency attached by ClinVar (database versions not stated): ExAC 0.00009; gnomAD 0.00013; TOPMed 0.00006.
gnomAD v4.1: 120 of 1,597,406 alleles (0.0075%); highest among the groups gnomAD compares: Non-Finnish European, 0.0097%; no homozygotes.

Submissions (3):

Laboratory of Genetics, Children's Clinical University Hospital Latvia
Classification: Benign. Last evaluated: 2025-02-16. Review status: criteria provided, single submitter. Criteria: ACMG Guidelines, 2015. Collection method: clinical testing. Allele origin: germline. Affected: yes.

Blueprint Genetics
Classification: Likely benign. Last evaluated: 2024-08-21. Review status: criteria provided, single submitter. Criteria: ACMG Guidelines, 2015. Collection method: clinical testing. Allele origin: germline.

CeGaT Center for Human Genetics Tuebingen
Classification: Likely benign. Last evaluated: 2023-03-01. Review status: criteria provided, single submitter. Criteria: CeGaT Center For Human Genetics Tuebingen Variant Classification Criteria Version 2. Collection method: clinical testing. Allele origin: germline. Affected: yes. Observed: 2 variant alleles.
Comment: RBPJ: PP2, BP4, BS2

NM_005349.4(RBPJ):c.-65G>C

Gene: RBPJ (recombination signal binding protein for immunoglobulin kappa J region; plus strand). Cytogenetic location: 4p15.2.
Variant type: single nucleotide variant.
Coding change: c.-65G>C on transcript NM_005349.4; 65 bases upstream of the start codon, G replaced by C.
Molecular consequence: 5 prime UTR variant. On other transcripts: missense variant (1), intron variant (2).
Genome position (GRCh38, 1-based): chr4:26,319,881, G>C. VCF-style: chr4-26319881-G-C. GRCh37 (hg19) VCF-style: chr4-26321503-G-C.
Other names: c.-174G>C (NM_001379406.1); c.-290G>C (NM_001379407.1); c.-65G>C (NM_001379408.1); c.7G>C, p.Gly3Arg (NM_001379409.1); c.-54G>C (NM_203283.5); c.-166-42565G>C (NM_001374401.1); c.-58+111G>C (NM_001374400.1); short protein forms G3R.
Identifiers: ClinVar variation 2654701 (VCV002654701.24), dbSNP rs771282383, ClinGen allele CA2881125.
Genomic context (GRCh38, chr4:26,319,881, plus strand): 5'-GGCAGTGCTGGATCTGGGAATCTCTAGGAAAGGAAAGAGCAAAGGAGGGGAAAGATGGGG[G>C]GCTGCAGGTAGGAGGAGGGGGCGGGATTCGGGCCCTTCACCCTGCTGTTCCATGCCCGGT-3'